The following is an entry in ClinVar:

NM_004006.3(DMD):c.1332-18C>T

Gene: DMD (dystrophin; minus strand). Cytogenetic location: Xp21.1.
Variant type: single nucleotide variant.
Coding change: c.1332-18C>T on transcript NM_004006.3 (MANE Select); 18 bases into the intron before coding-DNA position 1332, C replaced by T.
Molecular consequence: intron variant.
Genome position (GRCh38, 1-based): chrX:32,614,471, G>A on the plus strand (C>T on the coding strand, the complement: DMD is on the minus strand). VCF-style: chrX-32614471-G-A. GRCh37 (hg19) VCF-style: chrX-32632588-G-A.
Other names: c.1308-18C>T (NM_000109.4); c.1320-18C>T (NM_004009.3); c.963-18C>T (NM_004010.3).
Identifiers: ClinVar variation 94459 (VCV000094459.28), dbSNP rs193153078, ClinGen allele CA147806.

ClinVar aggregate classification (germline): Benign/Likely benign. Review status: criteria provided, multiple submitters, no conflicts (2 of 4 stars). 8 submissions from 8 submitters: Benign (6); Likely benign (1). 1 of the submissions does not count toward it. Last evaluated 2026-02-03.

Conditions:
Becker muscular dystrophy (BMD). Also called: MUSCULAR DYSTROPHY, PSEUDOHYPERTROPHIC PROGRESSIVE, BECKER TYPE; Becker Muscular Dystrophy (BMD). Identifiers: Orphanet 98895, MedGen C0917713, MONDO:0010311, OMIM 300376.
Duchenne muscular dystrophy (DMD). Also called: Duchenne Muscular Dystrophy (DMD); MUSCULAR DYSTROPHY, PSEUDOHYPERTROPHIC PROGRESSIVE, DUCHENNE TYPE. Identifiers: Orphanet 98896, MedGen C0013264, MONDO:0010679, OMIM 310200.
Cardiomyopathy (CMYO). Also called: Cardiomyopathies. Identifiers: Orphanet 167848, MedGen C0878544, MONDO:0004994, HP:0001638. Inheritance: Various modes of inheritance.
Dystrophin deficiency.

Allele frequency attached by ClinVar (database versions not stated): gnomAD exomes 0.00213; ExAC 0.00317; 1000 Genomes Project 0.00742; gnomAD 0.00758 and 0.00806; 1000 Genomes Project 30x 0.00791; TOPMed 0.00898; ESP Exome Variant Server 0.00976.
gnomAD v4.1: 1,670 of 1,182,500 alleles (0.14%); highest among the groups gnomAD compares: African/African-American, 2.6%; 10 homozygotes.

Submissions (8):

Labcorp Genetics (formerly Invitae), Labcorp
Classification: Benign for Duchenne muscular dystrophy. Last evaluated: 2026-02-03. Review status: criteria provided, single submitter. Criteria: Invitae Variant Classification Sherloc (09022015). Collection method: clinical testing. Allele origin: germline.

ARUP Laboratories, Molecular Genetics and Genomics, ARUP Laboratories
Classification: Benign. Last evaluated: 2025-07-08. Review status: criteria provided, single submitter. Criteria: ARUP Molecular Germline Variant Investigation Process 2024. Collection method: clinical testing. Allele origin: germline.

Blueprint Genetics
Classification: Likely benign. Last evaluated: 2024-11-27. Review status: criteria provided, single submitter. Criteria: ACMG Guidelines, 2015. Collection method: clinical testing. Allele origin: germline.

Women's Health and Genetics/Laboratory Corporation of America, LabCorp
Classification: Benign. Last evaluated: 2020-03-30. Review status: criteria provided, single submitter. Criteria: LabCorp Variant Classification Summary - May 2015. Collection method: clinical testing. Allele origin: germline.
Comment: Variant summary: DMD c.1332-18C>T alters a nucleotide located close to a canonical splice site and therefore could affect mRNA splicing, leading to a significantly altered protein sequence. 4/4 computational tools predict no significant impact on normal splicing. However, these predictions have yet to be confirmed by functional studies. The variant allele was found at a frequency of 0.0021 in 173111 control chromosomes in the gnomAD database, including 3 homozygotes. The observed variant frequency is approximately 192.7- fold the estimated maximal expected allele frequency for a pathogenic variant in DMD causing Dystrophinopathies phenotype (1.1e-05), strongly suggesting that the variant is benign. To our knowledge, no occurrence of c.1332-18C>T in individuals affected with Dystrophinopathies and no experimental evidence demonstrating its impact on protein function have been reported. No clinical diagnostic laboratories have submitted clinical-significance assessments for this variant to ClinVar after 2014. Based on the evidence outlined above, the variant was classified as benign.

GeneDx
Classification: Benign. Last evaluated: 2015-03-03. Review status: criteria provided, single submitter. Criteria: GeneDx Variant Classification Process June 2021. Collection method: clinical testing. Allele origin: germline. Affected: yes.

Eurofins Ntd Llc (ga)
Classification: Benign. Last evaluated: 2012-10-08. Review status: criteria provided, single submitter. Criteria: EGL Classification Definitions 2015. Collection method: clinical testing. Allele origin: germline. Observed: 1 variant allele, 1 homozygote.

Breakthrough Genomics
Classification: Benign. Review status: criteria provided, single submitter. Criteria: ACMG Guidelines, 2015. Collection method: not provided. Allele origin: germline. Inheritance: X-linked inheritance. Affected: yes.

Natera, Inc.
Classification: Benign for Becker muscular dystrophy; Cardiomyopathy; Duchenne muscular dystrophy; Dystrophin deficiency. Last evaluated: 2018-04-10. Review status: no assertion criteria provided. Collection method: clinical testing. Allele origin: germline. Not counted in ClinVar's aggregate classification.